The following is an entry in ClinVar:

NM_183357.3(ADCY5):c.1246C>G (p.Gln416Glu)

Gene: ADCY5 (adenylate cyclase 5; minus strand). Cytogenetic location: 3q21.1.
Variant type: single nucleotide variant.
Coding change: c.1246C>G on transcript NM_183357.3 (MANE Select); coding-DNA position 1246, C replaced by G.
Protein change: p.Gln416Glu; replaces glutamine 416 with glutamic acid.
Molecular consequence: missense variant.
Genome position (GRCh38, 1-based): chr3:123,352,470, G>C on the plus strand (C>G on the coding strand, the complement: ADCY5 is on the minus strand). VCF-style: chr3-123352470-G-C. GRCh37 (hg19) VCF-style: chr3-123071317-G-C.
Other names: c.196C>G, p.Gln66Glu (NM_001199642.1); c.1246C>G, p.Gln416Glu (NM_001378259.1); short protein forms Q416E, Q66E.
Identifiers: ClinVar variation 1310408 (VCV001310408.4), dbSNP rs1553733582, ClinGen allele CA354222562.

ClinVar aggregate classification (germline): Uncertain significance (1 of 4 stars; one submission).

Allele frequency attached by ClinVar (database versions not stated): gnomAD exomes below 0.00001.
gnomAD v4.1: 2 of 1,613,854 alleles (0.00012%); highest among the groups gnomAD compares: Admixed American, 0.0017%; no homozygotes.

Submission:

GeneDx
Classification: Uncertain significance. Last evaluated: 2023-01-17. Review status: criteria provided, single submitter. Criteria: GeneDx Variant Classification Process June 2021. Collection method: clinical testing. Allele origin: germline. Affected: yes.
Comment: Not observed at significant frequency in large population cohorts (gnomAD); In silico analysis supports that this missense variant does not alter protein structure/function; Has not been previously published as pathogenic or benign to our knowledge